The following is an entry in ClinVar:

NM_000071.3(CBS):c.689del (p.Leu230fs)

Gene: CBS (cystathionine beta-synthase; minus strand). Cytogenetic location: 21q22.3.
Variant type: Deletion.
Coding change: c.689del on transcript NM_000071.3 (MANE Select); coding-DNA position 689, one base deleted (T; older notation c.689delT).
Protein change: p.Leu230fs; shifts the reading frame from leucine 230.
Molecular consequence: frameshift variant.
Genome position (GRCh38, 1-based): chr21:43,065,250, A deleted on the plus strand (T on the coding strand, the reverse complement: CBS is on the minus strand). VCF-style (leftmost placement, unchanged base first): chr21-43065249-CA-C. GRCh37 (hg19) VCF-style: chr21-44485359-CA-C.
Other names: c.689delT (NM_000071.2); c.689del, p.Leu230fs (NM_001178008.3, NM_001178009.3, NM_001320298.2); c.374del, p.Leu125fs (NM_001321072.1); short protein forms L230fs, L125fs.
Identifiers: ClinVar variation 188829 (VCV000188829.25), dbSNP rs775351239, ClinGen allele CA274011.

ClinVar aggregate classification (germline): Pathogenic. Review status: criteria provided, multiple submitters, no conflicts (2 of 4 stars). 8 submissions from 8 submitters: Pathogenic (7). 1 of the submissions does not count toward it. Last evaluated 2026-06-01.

Conditions:
CBS-related disorder. Also called: CBS-related condition.
Homocystinuria. Identifiers: MedGen C0019880, MONDO:0004737, HP:0002156.
Classic homocystinuria. Also called: HOMOCYSTINURIA WITH OR WITHOUT RESPONSE TO PYRIDOXINE; Homocystinuria due to Cystathionine Beta-Synthase Deficiency; Homocystinuria due to CBS deficiency; Cystathionine beta-synthase deficiency; CBS deficiency. Identifiers: Orphanet 394, MedGen C0751202, MONDO:0009352, OMIM 236200.
HYPERHOMOCYSTEINEMIA, THROMBOTIC, CBS-RELATED. Identifiers: MedGen C3150344, OMIM 236200.

Allele frequency attached by ClinVar (database versions not stated): gnomAD exomes below 0.00001; TOPMed below 0.00001; ExAC 0.00001; gnomAD 0.00002.

Submissions (8):

CeGaT Center for Human Genetics Tuebingen
Classification: Pathogenic. Last evaluated: 2026-06-01. Review status: criteria provided, single submitter. Criteria: CeGaT Center For Human Genetics Tuebingen Variant Classification Criteria Version 2. Collection method: clinical testing. Allele origin: germline. Affected: yes. Observed: 1 variant allele.
Comment: CBS: PVS1, PM3, PM2:Supporting

Natera, Inc.
Classification: Pathogenic for Homocystinuria due to cystathionine beta-synthase deficiency. Last evaluated: 2025-08-22. Review status: criteria provided, single submitter. Criteria: Natera Variant Classification Schema (03/2026). Collection method: clinical testing. Allele origin: germline.
Comment: The c.689delT variant in CBS is a frameshift variant predicted to shift the reading frame beginning at codon 230 and leads to a stop codon 39 codons downstream. This variant is expected to result in nonsense mediated decay, truncation, or a dysfunctional protein product. This variant is rare in the general population with a frequency below the threshold expected for the associated phenotype(s). This variant has been observed in one or more individuals affected with the associated recessive disease, as either homozygous or compound heterozygous with a second variant (PMID: 21520339, 20871414). Given the available evidence, this variant is classified as Pathogenic.

Labcorp Genetics (formerly Invitae), Labcorp
Classification: Pathogenic for HYPERHOMOCYSTEINEMIA, THROMBOTIC, CBS-RELATED. Last evaluated: 2025-07-14. Review status: criteria provided, single submitter. Criteria: Invitae Variant Classification Sherloc (09022015). Collection method: clinical testing. Allele origin: germline.
Comment: This sequence change creates a premature translational stop signal (p.Leu230Argfs*39) in the CBS gene. It is expected to result in an absent or disrupted protein product. Loss-of-function variants in CBS are known to be pathogenic (PMID: 10338090, 12124992). This variant is present in population databases (rs775351239, gnomAD 0.0009%). This premature translational stop signal has been observed in individual(s) with homocystinuria (PMID: 21520339). ClinVar contains an entry for this variant (Variation ID: 188829). For these reasons, this variant has been classified as Pathogenic.

PreventionGenetics, part of Exact Sciences
Classification: Pathogenic for CBS-related condition. Last evaluated: 2024-10-25. Review status: criteria provided, single submitter. Criteria: ACMG Guidelines, 2015. Collection method: clinical testing. Allele origin: germline.
Comment: The CBS c.689delT variant is predicted to result in a frameshift and premature protein termination (p.Leu230Argfs*39). This variant has been reported to be causative for homocystinuria (Cozar et al. 2011. PubMed ID: 21520339). This variant is reported in 0.00088% of alleles in individuals of European (Non-Finnish) descent in gnomAD. Frameshift variants in CBS are expected to be pathogenic. This variant is interpreted as pathogenic.

Baylor Genetics
Classification: Pathogenic for Classic homocystinuria. Last evaluated: 2023-05-26. Review status: criteria provided, single submitter. Criteria: ACMG Guidelines, 2015. Collection method: clinical testing. Allele origin: unknown.

Women's Health and Genetics/Laboratory Corporation of America, LabCorp
Classification: Pathogenic for Homocystinuria. Last evaluated: 2023-03-06. Review status: criteria provided, single submitter. Criteria: LabCorp Variant Classification Summary - May 2015. Collection method: clinical testing. Allele origin: germline.
Comment: Variant summary: CBS c.689delT (p.Leu230ArgfsX39) results in a premature termination codon, predicted to cause a truncation of the encoded protein or absence of the protein due to nonsense mediated decay, which are commonly known mechanisms for disease. Truncations downstream of this position have been classified as pathogenic by our laboratory. The variant allele was found at a frequency of 4e-06 in 251410 control chromosomes (gnomAD). c.689delT has been reported in the literature in individuals affected with Homocystinuria (example: Gupta_2010 and Cozar_2011). These data indicate that the variant is very likely to be associated with disease. Three clinical diagnostic laboratories have submitted clinical-significance assessments for this variant to ClinVar after 2014 and all classified the variant as pathogenic. Based on the evidence outlined above, the variant was classified as pathogenic.

GeneDx
Classification: Pathogenic. Last evaluated: 2022-04-20. Review status: criteria provided, single submitter. Criteria: GeneDx Variant Classification Process June 2021. Collection method: clinical testing. Allele origin: germline. Affected: yes.
Comment: Not observed at a significant frequency in large population cohorts (gnomAD); Frameshift variant predicted to result in protein truncation or nonsense mediated decay in a gene for which loss-of-function is a known mechanism of disease; This variant is associated with the following publications: (PMID: 20871414, 31589614, 21520339)

Counsyl
Classification: Likely pathogenic for Homocystinuria due to CBS deficiency. Last evaluated: 2014-06-11. Review status: no assertion criteria provided. Collection method: literature only. Allele origin: unknown. Inheritance: Autosomal recessive inheritance. Not counted in ClinVar's aggregate classification.

Literature cited by the submitters: PubMed 21520339 (cited by 4 submitters); PubMed 20871414 (cited by 3 submitters); PubMed 10338090 (cited by Labcorp Genetics (formerly Invitae), Labcorp); PubMed 12124992 (cited by Labcorp Genetics (formerly Invitae), Labcorp).